The following is an entry in ClinVar:

ClinVar aggregate classification (germline): Uncertain significance (1 of 4 stars; one submission).

Submission:

Labcorp Genetics (formerly Invitae), Labcorp
Classification: Uncertain significance. Last evaluated: 2023-07-07. Review status: criteria provided, single submitter. Criteria: Invitae Variant Classification Sherloc (09022015). Collection method: clinical testing. Allele origin: germline.
Comment: This sequence change replaces valine, which is neutral and non-polar, with leucine, which is neutral and non-polar, at codon 430 of the TLR7 protein (p.Val430Leu). This variant is present in population databases (no rsID available, gnomAD 0.001%). This variant has not been reported in the literature in individuals affected with TLR7-related conditions. ClinVar contains an entry for this variant (Variation ID: 1997543). Algorithms developed to predict the effect of missense changes on protein structure and function output the following: SIFT: "Not Available"; PolyPhen-2: "Benign"; Align-GVGD: "Not Available". The leucine amino acid residue is found in multiple mammalian species, which suggests that this missense change does not adversely affect protein function. In summary, the available evidence is currently insufficient to determine the role of this variant in disease. Therefore, it has been classified as a Variant of Uncertain Significance.

NM_016562.4(TLR7):c.1288G>C (p.Val430Leu)

Gene: TLR7 (toll like receptor 7; plus strand). Cytogenetic location: Xp22.2.
Variant type: single nucleotide variant.
Coding change: c.1288G>C on transcript NM_016562.4 (MANE Select); coding-DNA position 1288, G replaced by C.
Protein change: p.Val430Leu; replaces valine 430 with leucine.
Molecular consequence: missense variant.
Genome position (GRCh38, 1-based): chrX:12,886,796, G>C. VCF-style: chrX-12886796-G-C. GRCh37 (hg19) VCF-style: chrX-12904915-G-C.
Other names: short protein forms V430L.
Identifiers: ClinVar variation 1997543 (VCV001997543.4), dbSNP rs1382499230, ClinGen allele CA412407277.